The following is an entry in ClinVar:

NM_022168.4(IFIH1):c.829A>G (p.Asn277Asp)

Gene: IFIH1 (interferon induced with helicase C domain 1; minus strand). Cytogenetic location: 2q24.2.
Variant type: single nucleotide variant.
Coding change: c.829A>G on transcript NM_022168.4 (MANE Select); coding-DNA position 829, A replaced by G.
Protein change: p.Asn277Asp; replaces asparagine 277 with aspartic acid.
Molecular consequence: missense variant.
Genome position (GRCh38, 1-based): chr2:162,293,609, T>C on the plus strand (A>G on the coding strand, the complement: IFIH1 is on the minus strand). VCF-style: chr2-162293609-T-C. GRCh37 (hg19) VCF-style: chr2-163150119-T-C.
Other names: short protein forms N277D.
Identifiers: ClinVar variation 2925931 (VCV002925931.3), dbSNP rs1189567016, ClinGen allele CA349005994.
Genomic context (GRCh38, chr2:162,293,609, plus strand): 5'-ACAGTTAGGCAGTACCTGAATCACTTCCCATGGTGCCTGAATCACTGCCCATGTTGCTGT[T>C]ATGTCCAAGACTTTCATCTAAGCAGCTGACACTTCCTTCTGCCAAACTTGTGTCTGATTC-3'
Protein context (NP_071451.2, residues 267-287): VSCLDESLGH[Asn277Asp]SNMGSDSGTM

ClinVar aggregate classification (germline): Uncertain significance (1 of 4 stars; one submission).

Conditions:
Aicardi-Goutieres syndrome 7 (AGS7). Identifiers: Orphanet 51, MedGen C3888244, MONDO:0014367, OMIM 615846.
Singleton-Merten syndrome 1 (SGMRT1). Also called: Widened medullary cavities of bone, aortic calcification, abnormal dentition, and muscular weakness; Syndrome of widened medullary cavities of the metacarpals and phalanges, aortic calcification and abnormal dentition. Identifiers: Orphanet 85191, MedGen C4225427, MONDO:0024535, OMIM 182250.

Allele frequency attached by ClinVar (database versions not stated): gnomAD 0.00001; TOPMed 0.00001.
gnomAD v4.1: 1 of 1,612,058 alleles (0.000062%); highest among the groups gnomAD compares: African/African-American, 0.0013%; no homozygotes.

Submission:

Labcorp Genetics (formerly Invitae), Labcorp
Classification: Uncertain significance for Aicardi-Goutieres syndrome 7; Singleton-Merten syndrome 1. Last evaluated: 2024-10-21. Review status: criteria provided, single submitter. Criteria: Invitae Variant Classification Sherloc (09022015). Collection method: clinical testing. Allele origin: germline.
Comment: This sequence change replaces asparagine, which is neutral and polar, with aspartic acid, which is acidic and polar, at codon 277 of the IFIH1 protein (p.Asn277Asp). This variant is not present in population databases (gnomAD no frequency). This variant has not been reported in the literature in individuals affected with IFIH1-related conditions. Invitae Evidence Modeling of protein sequence and biophysical properties (such as structural, functional, and spatial information, amino acid conservation, physicochemical variation, residue mobility, and thermodynamic stability) has been performed for this missense variant. However, the output from this modeling did not meet the statistical confidence thresholds required to predict the impact of this variant on IFIH1 protein function. In summary, the available evidence is currently insufficient to determine the role of this variant in disease. Therefore, it has been classified as a Variant of Uncertain Significance.